The following is an entry in ClinVar:

ClinVar aggregate classification (germline): Likely benign. Review status: criteria provided, multiple submitters, no conflicts (2 of 4 stars). 2 submissions from 2 submitters: Likely benign (2). Last evaluated 2025-12-08.

Conditions:
Malignant hyperthermia, susceptibility to, 1 (MHS1). Also called: Anesthesia related hyperthermia; Malignant hyperpyrexia; Fulminating hyperpyrexia; Pharmacogenic myopathy; RYR1-Related Malignant Hyperthermia Susceptibility; Malignant hyperthermia suceptibility 1. Identifiers: Orphanet 423, MedGen C2930980, MONDO:0007783, OMIM 145600.
RYR1-related disorder. Also called: RYR1-related disorders; RYR1-related condition. Identifiers: MedGen CN239331.

Submissions (2):

Labcorp Genetics (formerly Invitae), Labcorp
Classification: Likely benign for RYR1-related disorder. Last evaluated: 2025-12-08. Review status: criteria provided, single submitter. Criteria: Invitae Variant Classification Sherloc (09022015). Collection method: clinical testing. Allele origin: germline.

All of Us Research Program, National Institutes of Health
Classification: Likely benign for Malignant hyperthermia, susceptibility to, 1. Last evaluated: 2024-05-14. Review status: criteria provided, single submitter. Criteria: ACMG Guidelines, 2015. Collection method: clinical testing. Allele origin: germline. Inheritance: Autosomal dominant inheritance. Observed: 1 variant allele, 1 heterozygote.
Comment: This study involves interpretation of variants in research participants for the purpose of population health screening. Participant phenotype was not available at the time of variant classification. Additional details can be found in publication PMID: 35346344, PMCID: PMC8962531

NM_000540.3(RYR1):c.303G>A (p.Leu101=)

Gene: RYR1 (ryanodine receptor 1; plus strand). Cytogenetic location: 19q13.2.
Variant type: single nucleotide variant.
Coding change: c.303G>A on transcript NM_000540.3 (MANE Select); coding-DNA position 303, G replaced by A.
Protein change: p.Leu101=; no amino-acid change (leucine 101 retained).
Molecular consequence: synonymous variant.
Genome position (GRCh38, 1-based): chr19:38,443,590, G>A. VCF-style: chr19-38443590-G-A. GRCh37 (hg19) VCF-style: chr19-38934230-G-A.
Other names: c.303G>A, p.Leu101= (NM_001042723.2).
Identifiers: ClinVar variation 3387623 (VCV003387623.2).
Genomic context (GRCh38, chr19:38,443,590, plus strand): 5'-TTATTCTGTTCCCTCCCTCCCCCTGCAGTCATCCCAGGGCGGGGGACACAGGACGCTCCT[G>A]TATGGCCATGCCATCCTGCTCCGGCATGCACACAGCCGCATGGTGAGTGCAACCTCGGTG-3'
Protein context (NP_000531.2, residues 91-111): SSQGGGHRTL[Leu101=]YGHAILLRHA